The following is an entry in ClinVar:

ClinVar aggregate classification (germline): Uncertain significance (1 of 4 stars; one submission).

Conditions:
Cardiovascular phenotype. Identifiers: MedGen CN230736.

Submission:

Ambry Genetics
Classification: Uncertain significance for Cardiovascular phenotype. Last evaluated: 2026-05-14. Review status: criteria provided, single submitter. Criteria: Ambry Variant Classification Scheme 2023. Collection method: clinical testing. Allele origin: germline.
Comment: The p.H46R variant (also known as c.137A>G), located in coding exon 1 of the CBL gene, results from an A to G substitution at nucleotide position 137. The histidine at codon 46 is replaced by arginine, an amino acid with highly similar properties. This amino acid position is conserved. In addition, the in silico prediction for this alteration is inconclusive. Based on the available evidence, the clinical significance of this variant remains unclear.

NM_005188.4(CBL):c.137A>G (p.His46Arg)

Genes: CBL (Cbl proto-oncogene; plus strand), LOC130006895 (ATAC-STARR-seq lymphoblastoid silent region 3975; plus strand). Cytogenetic location: 11q23.3.
Variant type: single nucleotide variant.
Coding change: c.137A>G on transcript NM_005188.4 (MANE Select); coding-DNA position 137, A replaced by G.
Protein change: p.His46Arg; replaces histidine 46 with arginine.
Molecular consequence: missense variant.
Genome position (GRCh38, 1-based): chr11:119,206,554, A>G. VCF-style: chr11-119206554-A-G. GRCh37 (hg19) VCF-style: chr11-119077264-A-G.
Other names: short protein forms H46R.
Identifiers: ClinVar variation 4868258 (VCV004868258.1).